The following is an entry in ClinVar:

ClinVar aggregate classification (germline): Uncertain significance (1 of 4 stars; one submission).

Submission:

Labcorp Genetics (formerly Invitae), Labcorp
Classification: Uncertain significance. Last evaluated: 2019-12-16. Review status: criteria provided, single submitter. Criteria: Invitae Variant Classification Sherloc (09022015). Collection method: clinical testing. Allele origin: germline.
Comment: In summary, the available evidence is currently insufficient to determine the role of this variant in disease. Therefore, it has been classified as a Variant of Uncertain Significance. Algorithms developed to predict the effect of missense changes on protein structure and function output the following: SIFT: "Tolerated"; PolyPhen-2: "Benign"; Align-GVGD: "Class C0". The asparagine amino acid residue is found in multiple mammalian species, suggesting that this missense change does not adversely affect protein function. These predictions have not been confirmed by published functional studies and their clinical significance is uncertain. This variant has not been reported in the literature in individuals with MSH3-related conditions. This variant is not present in population databases (ExAC no frequency). This sequence change replaces lysine with asparagine at codon 1109 of the MSH3 protein (p.Lys1109Asn). The lysine residue is weakly conserved and there is a moderate physicochemical difference between lysine and asparagine.

NM_002439.5(MSH3):c.3327G>C (p.Lys1109Asn)

Gene: MSH3 (mutS homolog 3; plus strand). Cytogenetic location: 5q14.1.
Variant type: single nucleotide variant.
Coding change: c.3327G>C on transcript NM_002439.5 (MANE Select); coding-DNA position 3327, G replaced by C.
Protein change: p.Lys1109Asn; replaces lysine 1109 with asparagine.
Molecular consequence: missense variant.
Genome position (GRCh38, 1-based): chr5:80,875,775, G>C. VCF-style: chr5-80875775-G-C. GRCh37 (hg19) VCF-style: chr5-80171594-G-C.
Other names: short protein forms K1109N.
Identifiers: ClinVar variation 850074 (VCV000850074.10), dbSNP rs779346486, ClinGen allele CA360347316.